The following is an entry in ClinVar:

ClinVar aggregate classification (germline): Likely benign (1 of 4 stars; one submission).

Allele frequency attached by ClinVar (database versions not stated): 1000 Genomes Project 0.00040; 1000 Genomes Project 30x 0.00078; TOPMed 0.00117; gnomAD 0.00136.
gnomAD v4.1: 163 of 139,008 alleles (0.12%); highest among the groups gnomAD compares: African/African-American, 0.38%; 1 homozygote.

Submission:

GeneDx
Classification: Likely benign. Last evaluated: 2017-10-23. Review status: criteria provided, single submitter. Criteria: GeneDx Variant Classification (06012015). Collection method: clinical testing. Allele origin: germline. Affected: yes.
Comment: This variant is considered likely benign or benign based on one or more of the following criteria: it is a conservative change, it occurs at a poorly conserved position in the protein, it is predicted to be benign by multiple in silico algorithms, and/or has population frequency not consistent with disease.

NM_001128225.3(SLC39A13):c.-33G>C

Genes: SLC39A13 (solute carrier family 39 member 13; plus strand), SLC39A13-AS1 (SLC39A13 antisense RNA 1; minus strand). Cytogenetic location: 11p11.2.
Variant type: single nucleotide variant.
Coding change: c.-33G>C on transcript NM_001128225.3 (MANE Select); 33 bases upstream of the start codon, G replaced by C.
Molecular consequence: 5 prime UTR variant.
Genome position (GRCh38, 1-based): chr11:47,408,638, G>C. VCF-style: chr11-47408638-G-C. GRCh37 (hg19) VCF-style: chr11-47430189-G-C.
Other names: c.-33G>C (NM_001330245.2); c.-54G>C (NM_152264.5).
Identifiers: ClinVar variation 512793 (VCV000512793.1), dbSNP rs538845170, ClinGen allele CA221686377.